The following is an entry in ClinVar:

NM_000760.4(CSF3R):c.263C>T (p.Thr88Ile)

Gene: CSF3R (colony stimulating factor 3 receptor; minus strand). Cytogenetic location: 1p34.3.
Variant type: single nucleotide variant.
Coding change: c.263C>T on transcript NM_000760.4 (MANE Select); coding-DNA position 263, C replaced by T.
Protein change: p.Thr88Ile; replaces threonine 88 with isoleucine.
Molecular consequence: missense variant.
Genome position (GRCh38, 1-based): chr1:36,475,475, G>A on the plus strand (C>T on the coding strand, the complement: CSF3R is on the minus strand). VCF-style: chr1-36475475-G-A. GRCh37 (hg19) VCF-style: chr1-36941076-G-A.
Other names: c.263C>T, p.Thr88Ile (NM_156039.3, NM_172313.3); short protein forms T88I.
Identifiers: ClinVar variation 2144278 (VCV002144278.5), dbSNP rs772516569, ClinGen allele CA339424845.

ClinVar aggregate classification (germline): Uncertain significance. Review status: criteria provided, multiple submitters, no conflicts (2 of 4 stars). 2 submissions from 2 submitters: Uncertain significance (2). Last evaluated 2023-02-06.

Conditions:
Autosomal recessive severe congenital neutropenia due to CSF3R deficiency. Also called: Neutropenia, severe congenital, 7, autosomal recessive. Identifiers: Orphanet 420702, MedGen C4310764, MONDO:0014865, OMIM 617014.

Allele frequency attached by ClinVar (database versions not stated): gnomAD 0.00001.
gnomAD v4.1: 3 of 1,614,084 alleles (0.00019%); highest among the groups gnomAD compares: Admixed American, 0.0033%; no homozygotes.

Submissions (2):

Blueprint Genetics
Classification: Uncertain significance. Last evaluated: 2023-02-06. Review status: criteria provided, single submitter. Criteria: ACMG Guidelines, 2015. Collection method: clinical testing. Allele origin: germline.

Labcorp Genetics (formerly Invitae), Labcorp
Classification: Uncertain significance for Autosomal recessive severe congenital neutropenia due to CSF3R deficiency. Last evaluated: 2022-09-15. Review status: criteria provided, single submitter. Criteria: Invitae Variant Classification Sherloc (09022015). Collection method: clinical testing. Allele origin: germline.
Comment: This variant has not been reported in the literature in individuals affected with CSF3R-related conditions. Advanced modeling of protein sequence and biophysical properties (such as structural, functional, and spatial information, amino acid conservation, physicochemical variation, residue mobility, and thermodynamic stability) performed at Invitae indicates that this missense variant is expected to disrupt CSF3R protein function. In summary, the available evidence is currently insufficient to determine the role of this variant in disease. Therefore, it has been classified as a Variant of Uncertain Significance. This variant is not present in population databases (gnomAD no frequency). This sequence change replaces threonine, which is neutral and polar, with isoleucine, which is neutral and non-polar, at codon 88 of the CSF3R protein (p.Thr88Ile).